The following is an entry in ClinVar:

NM_022173.4(TIA1):c.953A>G (p.Gln318Arg)

Gene: TIA1 (TIA1 cytotoxic granule associated RNA binding protein; minus strand). Cytogenetic location: 2p13.3.
Variant type: single nucleotide variant.
Coding change: c.953A>G on transcript NM_022173.4 (MANE Select); coding-DNA position 953, A replaced by G.
Protein change: p.Gln318Arg; replaces glutamine 318 with arginine.
Molecular consequence: missense variant. On other transcripts: non-coding transcript variant (17).
Genome position (GRCh38, 1-based): chr2:70,214,430, T>C on the plus strand (A>G on the coding strand, the complement: TIA1 is on the minus strand). VCF-style: chr2-70214430-T-C. GRCh37 (hg19) VCF-style: chr2-70441562-T-C.
Other names: p.Gln318Arg; c.950A>G, p.Gln317Arg (NM_001351508.2); c.926A>G, p.Gln309Arg (NM_001351509.2); c.917A>G, p.Gln306Arg (NM_001351510.2); c.842A>G, p.Gln281Arg (NM_001351511.1); c.815A>G, p.Gln272Arg (NM_001351512.1); c.809A>G, p.Gln270Arg (NM_001351513.1); c.725A>G, p.Gln242Arg (NM_001351514.2); and 4 more; short protein forms Q318R, Q178R, Q270R, Q272R, Q281R, Q306R, Q307R, Q309R.
Identifiers: ClinVar variation 261569 (VCV000261569.47), dbSNP rs115611153, ClinGen allele CA1697436.
Genomic context (GRCh38, chr2:70,214,430, plus strand): 5'-GCCTGGCCATACATTCCATATGCAGGAACTTGCCAACCATTAGGCATATACTGGCCAATT[T>C]GTTGTGCATTTCCATACCACTGGCCCCACTGGCCATAAGGTTGGGGATATCCAATTTGAT-3'
Protein context (NP_071505.2, residues 308-328): QWGQWYGNAQ[Gln318Arg]IGQYMPNGWQ

ClinVar aggregate classification (germline): Benign/Likely benign. Review status: criteria provided, multiple submitters, no conflicts (2 of 4 stars). 9 submissions from 9 submitters: Benign (4); Likely benign (3). 2 of the submissions do not count toward it. Last evaluated 2026-09-01.

Conditions:
Welander distal myopathy (WDM). Also called: Gower's muscular dystrophy; MUSCULAR DYSTROPHY, DISTAL, LATE-ONSET, AUTOSOMAL DOMINANT; Welander distal myopathy, Swedish type; Distal myopathy, Swedish type. Identifiers: Orphanet 603, MedGen C0221054, MONDO:0011466, OMIM 604454.

Allele frequency attached by ClinVar (database versions not stated): 1000 Genomes Project 30x 0.00265; 1000 Genomes Project 0.00280; ExAC 0.00633; gnomAD exomes 0.00650 and 0.01016; TOPMed 0.00671; gnomAD 0.00679 and 0.00704; ESP Exome Variant Server 0.00930.
gnomAD v4.1: 15,784 of 1,613,990 alleles (0.98%); highest among the groups gnomAD compares: Non-Finnish European, 1.2%; 96 homozygotes.

Submissions (9):

CeGaT Center for Human Genetics Tuebingen
Classification: Benign. Last evaluated: 2026-09-01. Review status: criteria provided, single submitter. Criteria: CeGaT Center For Human Genetics Tuebingen Variant Classification Criteria Version 2. Collection method: clinical testing. Allele origin: germline. Affected: yes. Observed: 44 variant alleles.
Comment: TIA1: BS1, BS2

Labcorp Genetics (formerly Invitae), Labcorp
Classification: Benign for Welander distal myopathy. Last evaluated: 2026-02-04. Review status: criteria provided, single submitter. Criteria: Invitae Variant Classification Sherloc (09022015). Collection method: clinical testing. Allele origin: germline.

GeneDx
Classification: Likely benign. Last evaluated: 2021-05-05. Review status: criteria provided, single submitter. Criteria: GeneDx Variant Classification Process June 2021. Collection method: clinical testing. Allele origin: germline. Affected: yes.
Comment: See Variant Classification Assertion Criteria.

Mendelics
Classification: Likely benign for Welander distal myopathy. Last evaluated: 2019-05-28. Review status: criteria provided, single submitter. Criteria: Mendelics Assertion Criteria 2017. Collection method: clinical testing. Allele origin: unknown.

Mayo Clinic Laboratories, Mayo Clinic
Classification: Benign. Last evaluated: 2017-12-06. Review status: criteria provided, single submitter. Criteria: ACMG Guidelines, 2015. Collection method: clinical testing. Allele origin: germline. Observed: 25 variant alleles.

Breakthrough Genomics
Classification: Likely benign. Review status: criteria provided, single submitter. Criteria: ACMG Guidelines, 2015. Collection method: not provided. Allele origin: germline. Inheritance: Autosomal recessive inheritance. Affected: yes.

PreventionGenetics, part of Exact Sciences
Classification: Benign. Review status: criteria provided, single submitter. Criteria: ACMG Guidelines, 2015. Collection method: clinical testing. Allele origin: germline.

Clinical Genetics DNA and cytogenetics Diagnostics Lab, Erasmus MC, Erasmus Medical Center
Classification: Benign. Review status: no assertion criteria provided. Collection method: clinical testing. Allele origin: germline. Affected: yes. Study: VKGL Data-share Consensus. Not counted in ClinVar's aggregate classification.

Laboratory of Diagnostic Genome Analysis, Leiden University Medical Center (LUMC)
Classification: Likely benign. Review status: no assertion criteria provided. Collection method: clinical testing. Allele origin: germline. Affected: yes. Study: VKGL Data-share Consensus. Not counted in ClinVar's aggregate classification.